The following is an entry in ClinVar:

NM_001008216.2(GALE):c.956G>A (p.Gly319Glu)

Gene: GALE (UDP-galactose-4-epimerase; minus strand). Cytogenetic location: 1p36.11.
Variant type: single nucleotide variant.
Coding change: c.956G>A on transcript NM_001008216.2 (MANE Select); coding-DNA position 956, G replaced by A.
Protein change: p.Gly319Glu; replaces glycine 319 with glutamic acid.
Molecular consequence: missense variant.
Genome position (GRCh38, 1-based): chr1:23,796,183, C>T on the plus strand (G>A on the coding strand, the complement: GALE is on the minus strand). VCF-style: chr1-23796183-C-T. GRCh37 (hg19) VCF-style: chr1-24122673-C-T.
Other names: c.956G>A, p.Gly319Glu (NM_001127621.2, NM_000403.4); short protein forms G319E.
Identifiers: ClinVar variation 3681 (VCV000003681.30), dbSNP rs28940885, ClinGen allele CA220715.

ClinVar aggregate classification (germline): Conflicting classifications of pathogenicity; other. Review status: criteria provided, conflicting classifications (1 of 4 stars). 10 submissions from 10 submitters: Uncertain significance (5); Likely benign (2). 2 of the submissions do not count toward it. Last evaluated 2026-08-06.

Conditions:
GALE-related disorder. Also called: GALE-related condition.
Thrombocytopenia 13, syndromic. Also called: THROMBOCYTOPENIA, AUTOSOMAL RECESSIVE, 13. Identifiers: MedGen C5935599, MONDO:0958333, OMIM 620776.
UDPglucose-4-epimerase deficiency. Also called: GALACTOSEMIA III; GALE DEFICIENCY; Epimerase Deficiency Galactosemia; UDPglucose 4-Epimerase Deficiency Disease; UDP-GALACTOSE-4-EPIMERASE DEFICIENCY; Galactose epimerase deficiency. Identifiers: Orphanet 352, Orphanet 79238, MedGen C0751161, MONDO:0009257, OMIM 230350.

Allele frequency attached by ClinVar (database versions not stated): gnomAD 0.00115 and 0.00121; 1000 Genomes Project 30x 0.00219; gnomAD exomes 0.00009 and 0.00035; TOPMed 0.00127; 1000 Genomes Project 0.00200; ExAC 0.00043.
gnomAD v4.1: 321 of 1,614,134 alleles (0.02%); highest among the groups gnomAD compares: African/African-American, 0.37%; 2 homozygotes.

Submissions (10):

OLLIN Analises Genomicas, OLLIN
Classification: Uncertain significance for Thrombocytopenia 13, syndromic. Last evaluated: 2026-08-06. Review status: criteria provided, single submitter. Criteria: ACMG Guidelines 2015 PMID 25741868. Collection method: clinical testing. Allele origin: germline. Inheritance: Autosomal recessive inheritance.
Comment: This missense variant, located in exon 11 (of 12), has been reported in ClinVar (accession VCV000003681.28) and in gnomAD with an allele frequency of 0.02%. However, to our knowledge, it has not been reported in the scientific literature. In silico analysis predicts that this variant has a deleterious effect. According to the currently available evidence, this variant has been classified as uncertain significance (PM3_P, PP3_S, BS2).

PreventionGenetics, part of Exact Sciences
Classification: Uncertain significance for GALE-related condition. Last evaluated: 2026-04-30. Review status: criteria provided, single submitter. Criteria: ACMG Guidelines, 2015. Collection method: clinical testing. Allele origin: germline.
Comment: The GALE c.956G>A variant is predicted to result in the amino acid substitution p.Gly319Glu. This variant has been reported in two patients with GALE deficiency in erythrocytes and lymphoblasts; one of them was heterozygous for a second amino acid substitution (p.Ser81Arg) (Openo et al. 2006. PubMed ID 16385452). The authors in this study reported moderate to severe enzyme deficiencies based on in vitro activity assays. In contrast, others have reported that this amino acid change does not significantly affect the kinetics or activity of the GALE enzyme, and may therefore be a neutral polymorphism (Timson. 2005. PubMed ID: 16302980; Wasilenko et al. 2005. PubMed ID: 15639193). This variant has been reported at an allele frequency of ~0.4% in an African population (gnomAD), which is relatively high for a pathogenic variant. While we suspect that this variant may possibly be benign, its clinical significance is uncertain due to the conflicting published evidence.

Labcorp Genetics (formerly Invitae), Labcorp
Classification: Likely benign for UDPglucose-4-epimerase deficiency. Last evaluated: 2026-01-28. Review status: criteria provided, single submitter. Criteria: Invitae Variant Classification Sherloc (09022015). Collection method: clinical testing. Allele origin: germline.

GeneDx
Classification: Uncertain significance. Last evaluated: 2025-10-30. Review status: criteria provided, single submitter. Criteria: GeneDx Variant Classification Process June 2021. Collection method: clinical testing. Allele origin: germline.
Comment: In silico analysis supports that this missense variant has a deleterious effect on protein structure/function; This variant is associated with the following publications: (PMID: 16302980, 18188677, 30409984, 15639193, 22995991, 9538513, 23644136, 16385452, 19250319)

Women's Health and Genetics/Laboratory Corporation of America, LabCorp
Classification: Likely benign. Last evaluated: 2025-07-21. Review status: criteria provided, single submitter. Criteria: LabCorp Variant Classification Summary - May 2015. Collection method: clinical testing. Allele origin: germline.
Comment: Variant summary: GALE c.956G>A (p.Gly319Glu) results in a non-conservative amino acid change in the encoded protein sequence. Algorithms developed to predict the effect of missense changes on protein structure and function all suggest that this variant is likely to be disruptive. The variant allele was found at a frequency of 0.00035 in 251278 control chromosomes, predominantly at a frequency of 0.0042 within the African or African-American subpopulation in the gnomAD database, including 1 homozygotes. The observed variant frequency within African or African-American control individuals in the gnomAD database is approximately 3.76 fold of the estimated maximal expected allele frequency for a pathogenic variant in GALE causing UDPglucose-4-Epimerase Deficiency phenotype (0.0011). c.956G>A has been observed in heterozygous genotype in an individuals affected with UDPglucose-4-Epimerase Deficiency (Maceratesi_1998). These report(s) do not provide unequivocal conclusions about association of the variant with UDPglucose-4-Epimerase Deficiency. Two publication report experimental evidence evaluating an impact on protein function (Timson_2005, Wasilenko_2005). These results showed no damaging effect of this variant. The following publications have been ascertained in the context of this evaluation (PMID: 9538513, 16302980, 15639193). ClinVar contains an entry for this variant (Variation ID: 3681). Based on the evidence outlined above, the variant was classified as likely benign.

Mayo Clinic Laboratories, Mayo Clinic
Classification: Uncertain significance. Last evaluated: 2025-02-27. Review status: criteria provided, single submitter. Criteria: ACMG Guidelines, 2015. Collection method: clinical testing. Allele origin: germline. Observed: 2 variant alleles.
Comment: BS1, BS3, PP3, PP4

Greenwood Genetic Center Diagnostic Laboratories, Greenwood Genetic Center
Classification: Uncertain significance. Last evaluated: 2022-10-19. Review status: criteria provided, single submitter. Criteria: ACMG Guidelines, 2015. Collection method: clinical testing. Allele origin: germline. Affected: yes.
Comment: PS3_Supporting, BA1, PP3

Eurofins Ntd Llc (ga)
Classification: other. Last evaluated: 2018-06-07. Review status: criteria provided, single submitter. Criteria: EGL ClinVar v180209 classification definitions. Collection method: clinical testing. Allele origin: germline. Observed: 15 variant alleles, 13 heterozygotes, 2 homozygotes.

GeneReviews
Classification: Pathogenic for UDPglucose-4-epimerase deficiency. Last evaluated: 2021-02-24. Review status: no assertion criteria provided. Collection method: literature only. Allele origin: germline. Not counted in ClinVar's aggregate classification.
Comment: Assoc with asymptomatic peripheral epimerase deficiency galactosemia in African Americans

OMIM
Classification: Pathogenic for GALACTOSEMIA III. Last evaluated: 1998-01-01. Review status: no assertion criteria provided. Collection method: literature only. Allele origin: germline. Not counted in ClinVar's aggregate classification.

Literature cited by the submitters: PubMed 16302980 (cited by 3 submitters); PubMed 9538513 (cited by 4 submitters); PubMed 15639193 (cited by 3 submitters); PubMed 16385452 (cited by Mayo Clinic Laboratories, Mayo Clinic and GeneReviews); PubMed 19250319 (cited by Mayo Clinic Laboratories, Mayo Clinic); J Invest Med. 1997 (cited by GeneReviews); 45:191A (cited by GeneReviews).